The following is an entry in ClinVar:

ClinVar aggregate classification (germline): Pathogenic/Likely pathogenic. Review status: criteria provided, multiple submitters, no conflicts (2 of 4 stars). 2 submissions from 2 submitters: Pathogenic (1); Likely pathogenic (1). Last evaluated 2024-10-11.

Conditions:
Myofibrillar myopathy 5. Also called: Filaminopathy (type); FILAMINOPATHY, AUTOSOMAL DOMINANT. Identifiers: Orphanet 171445, MedGen C1836050, MONDO:0012289, OMIM 609524.
Hypertrophic cardiomyopathy 26. Also called: Cardiomyopathy, familial hypertrophic, 26. Identifiers: Orphanet 75249, MedGen C4310749, MONDO:0014883, OMIM 617047.
Distal myopathy with posterior leg and anterior hand involvement. Also called: WILLIAMS DISTAL MYOPATHY. Identifiers: Orphanet 63273, MedGen C3279722, MONDO:0013550, OMIM 614065.
FLNC-related disorder. Also called: FLNC-related disorders; FLNC-related condition.

Submissions (2):

Blueprint Genetics
Classification: Likely pathogenic for FLNC-related disorders. Last evaluated: 2024-10-11. Review status: criteria provided, single submitter. Criteria: ACMG Guidelines, 2015. Collection method: clinical testing. Allele origin: germline. Affected: yes. Observed: 5 variant alleles.

Labcorp Genetics (formerly Invitae), Labcorp
Classification: Pathogenic for Distal myopathy with posterior leg and anterior hand involvement; Myofibrillar myopathy 5; Hypertrophic cardiomyopathy 26. Last evaluated: 2023-12-09. Review status: criteria provided, single submitter. Criteria: Invitae Variant Classification Sherloc (09022015). Collection method: clinical testing. Allele origin: germline.
Comment: This sequence change creates a premature translational stop signal (p.Pro611Alafs*9) in the FLNC gene. It is expected to result in an absent or disrupted protein product. Loss-of-function variants in FLNC are known to be pathogenic (PMID: 27908349). This variant is not present in population databases (gnomAD no frequency). This variant has not been reported in the literature in individuals affected with FLNC-related conditions. For these reasons, this variant has been classified as Pathogenic.

Literature cited by the submitters: PubMed 27908349 (cited by Labcorp Genetics (formerly Invitae), Labcorp).

NM_001458.5(FLNC):c.1830dup (p.Pro611fs)

Gene: FLNC (filamin C; plus strand). Cytogenetic location: 7q32.1.
Variant type: Duplication.
Coding change: c.1830dup on transcript NM_001458.5 (MANE Select); coding-DNA position 1830, one base duplicated (G; older notation c.1830dupG).
Protein change: p.Pro611fs; shifts the reading frame from proline 611.
Molecular consequence: frameshift variant.
Genome position (GRCh38, 1-based): chr7:128,841,186, G duplicated; the last of 4 consecutive G bases (chr7:128,841,183-128,841,186); duplicating any one gives the same sequence. VCF-style (leftmost placement, unchanged base first): chr7-128841182-A-AG. GRCh37 (hg19) VCF-style: chr7-128481236-A-AG.
Other names: c.1830dup, p.Pro611fs (NM_001127487.2); short protein forms P611fs.
Identifiers: ClinVar variation 2954520 (VCV002954520.4), dbSNP rs2536628112, ClinGen allele CA2740097552.